The following is an entry in ClinVar:

ClinVar aggregate classification (germline): Uncertain significance (1 of 4 stars; one submission).

Conditions:
Familial thoracic aortic aneurysm and aortic dissection (TAAD). Also called: Thoracic aortic aneurysms and dissections. Identifiers: Orphanet 91387, MedGen C4707243, MONDO:0019625.

Submission:

Ambry Genetics
Classification: Uncertain significance for Familial thoracic aortic aneurysm and aortic dissection. Last evaluated: 2026-05-14. Review status: criteria provided, single submitter. Criteria: Ambry Variant Classification Scheme 2023. Collection method: clinical testing. Allele origin: germline.
Comment: The p.S680A variant (also known as c.2038T>G), located in coding exon 18 of the PRKG1 gene, results from a T to G substitution at nucleotide position 2038. The serine at codon 680 is replaced by alanine, an amino acid with similar properties. This amino acid position is conserved. In addition, the in silico prediction for this alteration is inconclusive. Based on the available evidence, the clinical significance of this variant remains unclear.

NM_006258.4(PRKG1):c.2038T>G (p.Ser680Ala)

Gene: PRKG1 (protein kinase cGMP-dependent 1; plus strand). Cytogenetic location: 10q21.1.
Variant type: single nucleotide variant.
Coding change: c.2038T>G on transcript NM_006258.4 (MANE Select); coding-DNA position 2038, T replaced by G.
Protein change: p.Ser680Ala; replaces serine 680 with alanine.
Molecular consequence: missense variant.
Genome position (GRCh38, 1-based): chr10:52,293,877, T>G. VCF-style: chr10-52293877-T-G. GRCh37 (hg19) VCF-style: chr10-54053637-T-G.
Other names: c.1993T>G, p.Ser665Ala (NM_001098512.3); c.829T>G, p.Ser277Ala (NM_001374781.1); short protein forms S277A, S665A, S680A.
Identifiers: ClinVar variation 4862528 (VCV004862528.1).